The following is an entry in ClinVar:

ClinVar aggregate classification (germline): Benign (1 of 4 stars; one submission).

Submission:

CeGaT Center for Human Genetics Tuebingen
Classification: Benign. Last evaluated: 2026-04-01. Review status: criteria provided, single submitter. Criteria: CeGaT Center For Human Genetics Tuebingen Variant Classification Criteria Version 2. Collection method: clinical testing. Allele origin: germline. Affected: yes. Observed: 1 variant allele.
Comment: PSD3: BS1, BS2

NM_015310.4(PSD3):c.556_557delinsCT (p.Thr186Leu)

Gene: PSD3 (pleckstrin and Sec7 domain containing 3; minus strand). Cytogenetic location: 8p22.
Variant type: Indel.
Coding change: c.556_557delinsCT on transcript NM_015310.4 (MANE Select); coding-DNA positions 556 to 557, AC replaced by CT.
Protein change: p.Thr186Leu; replaces threonine 186 with leucine.
Molecular consequence: missense variant.
Genome position (GRCh38, 1-based): chr8:18,872,307-18,872,308, GT replaced by AG on the plus strand (AC replaced by CT on the coding strand, the reverse complement: PSD3 is on the minus strand). VCF-style: chr8-18872307-GT-AG. GRCh37 (hg19) VCF-style: chr8-18729817-GT-AG.
Other names: c.457_458delinsCT, p.Thr153Leu (NM_001362819.2); c.859_860delinsCT, p.Thr287Leu (NM_001412865.1, NM_001412866.1, NM_001412867.1 and 2 more transcripts); c.556_557delinsCT, p.Thr186Leu (NM_001412870.1, NM_001412873.1, NM_001412877.1 and 2 more transcripts); c.454_455delinsCT, p.Thr152Leu (NM_001412871.1, NM_001412872.1, NM_001412880.1); c.361_362delinsCT, p.Thr121Leu (NM_001412874.1, NM_001412882.1, NM_001412883.1); c.595_596delinsCT, p.Thr199Leu (NM_001412875.1); c.553_554delinsCT, p.Thr185Leu (NM_001412876.1); short protein forms T121L, T152L, T153L, T185L, T186L, T199L, T287L.
Identifiers: ClinVar variation 4874418 (VCV004874418.2).